The following is an entry in ClinVar:

NM_000308.4(CTSA):c.1106del (p.Gln369fs)

Gene: CTSA (cathepsin A; plus strand). Cytogenetic location: 20q13.12.
Variant type: Deletion.
Coding change: c.1106del on transcript NM_000308.4 (MANE Select); coding-DNA position 1106, one base deleted (A; older notation c.1106delA).
Protein change: p.Gln369fs; shifts the reading frame from glutamine 369.
Molecular consequence: frameshift variant. On other transcripts: non-coding transcript variant (1).
Genome position (GRCh38, 1-based): chr20:45,896,982, A deleted. VCF-style (leftmost placement, unchanged base first): chr20-45896981-CA-C. GRCh37 (hg19) VCF-style: chr20-44525620-CA-C.
Other names: c.1106del, p.Gln369fs (NM_001127695.3); c.1055del, p.Gln352fs (NM_001167594.3); short protein forms Q352fs, Q369fs.
Identifiers: ClinVar variation 2836788 (VCV002836788.3), dbSNP rs2515445661, ClinGen allele CA2739277197.

ClinVar aggregate classification (germline): Pathogenic (1 of 4 stars; one submission).

Conditions:
Combined deficiency of sialidase AND beta galactosidase (GSL). Also called: CATHEPSIN A DEFICIENCY; GOLDBERG SYNDROME; NEURAMINIDASE DEFICIENCY WITH BETA-GALACTOSIDASE DEFICIENCY; NEURAMINIDASE/BETA-GALACTOSIDASE EXPRESSION; PPCA DEFICIENCY; PROTECTIVE PROTEIN/CATHEPSIN A DEFICIENCY. Identifiers: Orphanet 351, MedGen C0268233, MONDO:0009737, OMIM 256540.

Submission:

Labcorp Genetics (formerly Invitae), Labcorp
Classification: Pathogenic for Combined deficiency of sialidase AND beta galactosidase. Last evaluated: 2023-02-15. Review status: criteria provided, single submitter. Criteria: Invitae Variant Classification Sherloc (09022015). Collection method: clinical testing. Allele origin: germline.
Comment: For these reasons, this variant has been classified as Pathogenic. This sequence change creates a premature translational stop signal (p.Gln387Argfs*9) in the CTSA gene. It is expected to result in an absent or disrupted protein product. Loss-of-function variants in CTSA are known to be pathogenic (PMID: 15110321, 23915561). This variant is not present in population databases (gnomAD no frequency). This variant has not been reported in the literature in individuals affected with CTSA-related conditions.

Literature cited by the submitters: PubMed 15110321; PubMed 23915561.